The following is an entry in ClinVar:

ClinVar aggregate classification (germline): Pathogenic. Review status: criteria provided, multiple submitters, no conflicts (2 of 4 stars). 4 submissions from 4 submitters: Pathogenic (3). 1 of the submissions does not count toward it. Last evaluated 2021-04-29.

Conditions:
Hereditary cancer-predisposing syndrome. Also called: Tumor predisposition; Neoplastic Syndromes, Hereditary; Hereditary Cancer Syndrome; Hereditary neoplastic syndrome. Identifiers: Orphanet 140162, MedGen C0027672, MeSH D009386, MONDO:0015356.
Hereditary breast ovarian cancer syndrome. Also called: Hereditary breast and ovarian cancer syndrome (HBOC); Hereditary breast and ovarian cancer syndrome; Hereditary breast and ovarian cancer; Hereditary breast and/or ovarian cancer syndrome; Breast and ovarian cancer; BRCA1- and BRCA2-Associated Hereditary Breast and Ovarian Cancer. Identifiers: Orphanet 145, MedGen C0677776, MeSH D061325, MONDO:0003582. Disease mechanism: loss of function.
Breast-ovarian cancer, familial, susceptibility to, 1 (BROVCA1). Also called: OVARIAN CANCER, SUSCEPTIBILITY TO; BRCA1 Hereditary Breast and Ovarian Cancer. Identifiers: Orphanet 145, MedGen C2676676, MONDO:0011450, OMIM 604370. Disease mechanism: loss of function.

Submissions (5):

Color Diagnostics, LLC DBA Color Health
Classification: Pathogenic for Hereditary cancer-predisposing syndrome. Last evaluated: 2021-04-29. Review status: criteria provided, single submitter. Criteria: ACMG Guidelines, 2015. Collection method: clinical testing. Allele origin: germline.
Comment: This variant disrupts the translation initiation codon of the BRCA1 protein and is expected to result in an absent or non-functional protein product. A functional study has reported that this variant impacts BRCA1 function in a haploid human cell proliferation assay (PMID: 30209399). This variant has been observed in at least three individuals affected with breast and ovarian cancer (PMID: 11595708, 25480878, 32008151, 33471991; Leiden Open Variation Database DB-ID BRCA1_002590). A different mutation c.1A>G at codon 1 has been observed in at least 5 individuals affected with breast, ovarian and fallopian tube cancer (PMID: 12827452, 16912212, 22006311, 24504028, 24884479). This variant has not been identified in the general population by the Genome Aggregation Database (gnomAD). Based on the available evidence, this variant is classified as Pathogenic.

Women's Health and Genetics/Laboratory Corporation of America, LabCorp
Classification: Pathogenic for Hereditary breast and ovarian cancer syndrome. Last evaluated: 2020-08-24. Review status: criteria provided, single submitter. Criteria: LabCorp Variant Classification Summary - May 2015. Collection method: clinical testing. Allele origin: germline.
Comment: Variant summary: BRCA1 c.2T>G (p.Met1Arg) alters the initiation codon and is predicted to result either in absence of the protein or truncation of the encoded protein due to translation initiation at a downstream codon. Four of four in-silico tools predict a damaging effect of the variant on protein function. The variant was absent in 250886 control chromosomes. c.2T>G has been reported in the literature in individuals affected with Hereditary Breast And Ovarian Cancer Syndrome (example, Sekine_2001, Judkins_2005, Wang_2015, Sun_2017, Bhaskaran_2019, McVeigh_2020). These data indicate that the variant is likely to be associated with disease. At least two publications report experimental evidence evaluating an impact on protein function. The most pronounced variant effect results in loss of function as evaluated by BRCA1-dependent growth of yeast colonies that increases with pathogenic but not neutral mutations (Millot_2011) and cellular fitness in a haploid human cell line whose survival is dependent on intact BRCA1 function (Findlay_2018). One clinical diagnostic laboratory has submitted clinical-significance assessments for this variant to ClinVar after 2014 without evidence for independent evaluation and classified the variant as pathogenic. Based on the evidence outlined above, the variant was classified as pathogenic.

Labcorp Genetics (formerly Invitae), Labcorp
Classification: Pathogenic for Hereditary breast ovarian cancer syndrome. Last evaluated: 2020-08-22. Review status: criteria provided, single submitter. Criteria: Invitae Variant Classification Sherloc (09022015). Collection method: clinical testing. Allele origin: germline.
Comment: For these reasons, this variant has been classified as Pathogenic. Experimental studies have shown that this variant affects BRCA1 protein function (PMID: 30209399, 21922593). Disruption of the initiator codon has been observed in individual(s) with breast and/or ovarian cancer (PMID: 25480878, 28724667, 22006311, 9145677, 11802209). This variant is also known as Met1Arg. ClinVar contains an entry for this variant (Variation ID: 54746). This variant is not present in population databases (ExAC no frequency). This sequence change affects the initiator methionine of the BRCA1 mRNA. The next in-frame methionine is located at codon 18.

Breast Cancer Information Core (BIC) (BRCA1)
Classification: Pathogenic for Breast-ovarian cancer, familial 1. Last evaluated: 2000-06-12. Review status: no assertion criteria provided. Collection method: clinical testing. Allele origin: germline. Affected: yes. Observed: 1 variant allele. Not counted in ClinVar's aggregate classification.

Brotman Baty Institute, University of Washington
No classification provided (evidence only). Condition: Breast-ovarian cancer, familial 1. Review status: no classification provided. Collection method: in vitro. Allele origin: not applicable. Functional consequence: functionally_abnormal. Not counted in ClinVar's aggregate classification.
ClinVar note: "not provided" was previously submitted as the classification for the variant. However, the classification appeared to be based only on an observation of functional data so it was converted to no classification on 2025-07-30.

Literature cited by the submitters: PubMed 16267036 (cited by Women's Health and Genetics/Laboratory Corporation of America, LabCorp); PubMed 11595708 (cited by Women's Health and Genetics/Laboratory Corporation of America, LabCorp); PubMed 21922593 (cited by Women's Health and Genetics/Laboratory Corporation of America, LabCorp and Labcorp Genetics (formerly Invitae), Labcorp); PubMed 30209399 (cited by Women's Health and Genetics/Laboratory Corporation of America, LabCorp and Labcorp Genetics (formerly Invitae), Labcorp); PubMed 28724667 (cited by Women's Health and Genetics/Laboratory Corporation of America, LabCorp and Labcorp Genetics (formerly Invitae), Labcorp); PubMed 30702160 (cited by Women's Health and Genetics/Laboratory Corporation of America, LabCorp); PubMed 25480878 (cited by Women's Health and Genetics/Laboratory Corporation of America, LabCorp and Labcorp Genetics (formerly Invitae), Labcorp); PubMed 32008151 (cited by Women's Health and Genetics/Laboratory Corporation of America, LabCorp); PubMed 22006311 (cited by Labcorp Genetics (formerly Invitae), Labcorp); PubMed 9145677 (cited by Labcorp Genetics (formerly Invitae), Labcorp); PubMed 11802209 (cited by Labcorp Genetics (formerly Invitae), Labcorp).

NM_007294.4(BRCA1):c.2T>G (p.Met1Arg)

Gene: BRCA1 (BRCA1 DNA repair associated; minus strand). Cytogenetic location: 17q21.31.
Variant type: single nucleotide variant.
Coding change: c.2T>G on transcript NM_007294.4 (MANE Select); coding-DNA position 2, T replaced by G.
Protein change: p.Met1Arg; changes the start codon (methionine 1).
Molecular consequence: missense variant, initiator codon variant. On other transcripts: 5 prime UTR variant (1), non-coding transcript variant (1).
Genome position (GRCh38, 1-based): chr17:43,124,095, A>C on the plus strand (T>G on the coding strand, the complement: BRCA1 is on the minus strand). VCF-style: chr17-43124095-A-C. GRCh37 (hg19) VCF-style: chr17-41276112-A-C.
Other names: c.-187T>G (NM_001407571.1, NM_001407853.1, NM_001407879.1 and 46 more transcripts); c.2T>G, p.Met1Arg (NM_001407581.1, NM_001407582.1, NM_001407583.1 and 193 more transcripts); c.-256T>G (NM_001407694.1, NM_001407724.1, NM_001407727.1 and 11 more transcripts); c.-260T>G (NM_001407695.1, NM_001408465.1); c.-401T>G (NM_001407696.1); c.-285T>G (NM_001407697.1, NM_001407846.1, NM_001407920.1); c.-86T>G (NM_001407698.1, NM_001407732.1, NM_001407736.1 and 23 more transcripts); c.-259T>G (NM_001407725.1, NM_001407730.1, NM_001407734.1 and 22 more transcripts); and 8 more; short protein forms M1R.
Identifiers: ClinVar variation 54746 (VCV000054746.20), dbSNP rs80357111, ClinGen allele CA001955.